The following is an entry in ClinVar:

ClinVar aggregate classification (germline): Uncertain significance (1 of 4 stars; one submission).

gnomAD v4.1: 4 of 1,552,904 alleles (0.00026%); highest among the groups gnomAD compares: African/African-American, 0.0041%; no homozygotes.

Submission:

GeneDx
Classification: Uncertain significance. Last evaluated: 2025-01-07. Review status: criteria provided, single submitter. Criteria: GeneDx Variant Classification Process June 2021. Collection method: clinical testing. Allele origin: germline. Affected: yes.
Comment: Not observed at significant frequency in large population cohorts (gnomAD); In silico analysis indicates that this missense variant does not alter protein structure/function; Has not been previously published as pathogenic or benign to our knowledge

NM_003922.4(HERC1):c.12131C>G (p.Ala4044Gly)

Gene: HERC1 (HECT and RLD domain containing E3 ubiquitin protein ligase family member 1; minus strand). Cytogenetic location: 15q22.31.
Variant type: single nucleotide variant.
Coding change: c.12131C>G on transcript NM_003922.4 (MANE Select); coding-DNA position 12131, C replaced by G.
Protein change: p.Ala4044Gly; replaces alanine 4044 with glycine.
Molecular consequence: missense variant.
Genome position (GRCh38, 1-based): chr15:63,637,606, G>C on the plus strand (C>G on the coding strand, the complement: HERC1 is on the minus strand). VCF-style: chr15-63637606-G-C. GRCh37 (hg19) VCF-style: chr15-63929805-G-C.
Other names: short protein forms A4044G.
Identifiers: ClinVar variation 4055761 (VCV004055761.1).